The following is an entry in ClinVar:

ClinVar aggregate classification (germline): Uncertain significance. Review status: criteria provided, multiple submitters, no conflicts (2 of 4 stars). 2 submissions from 2 submitters: Uncertain significance (2). Last evaluated 2025-06-16.

Conditions:
Retinitis pigmentosa 12 (RP12). Also called: RP WITH OR WITHOUT PPRPE; RP WITH OR WITHOUT PRESERVED PARAARTERIOLE RETINAL PIGMENT EPITHELIUM; RETINITIS PIGMENTOSA WITH OR WITHOUT PARAARTERIOLAR PRESERVATION OF RETINAL PIGMENT EPITHELIUM. Identifiers: Orphanet 791, MedGen C1838647, MONDO:0010818, OMIM 600105.
Leber congenital amaurosis 8 (LCA8). Identifiers: Orphanet 65, MedGen C3151202, MONDO:0013453, OMIM 613835.

Allele frequency attached by ClinVar (database versions not stated): gnomAD exomes below 0.00001; TOPMed below 0.00001.
gnomAD v4.1: 2 of 1,613,668 alleles (0.00012%); highest among the groups gnomAD compares: Non-Finnish European, 0.00017%; no homozygotes.

Submissions (2):

Dasa
Classification: Uncertain significance. Last evaluated: 2025-06-16. Review status: criteria provided, single submitter. Criteria: DASA Assertion Criteria. Collection method: clinical testing. Allele origin: germline.
Comment: NM_201253.3(CRB1):c.3482A>G (p.Tyr1161Cys) is a missense variant that results in the substitution of tyrosine with cysteine. This variant has been reported in individuals with CRB1-related disorders (PMID: 23379534). Also, this variant is rare in population databases. The currently available literature and clinical evidence are not sufficient to establish a definitive association between this variant and the reported condition. Therefore, this variant is classified as a variant of uncertain significance.

Labcorp Genetics (formerly Invitae), Labcorp
Classification: Uncertain significance for Leber congenital amaurosis 8; Retinitis pigmentosa 12. Last evaluated: 2021-09-24. Review status: criteria provided, single submitter. Criteria: Invitae Variant Classification Sherloc (09022015). Collection method: clinical testing. Allele origin: germline.
Comment: This sequence change replaces tyrosine with cysteine at codon 1161 of the CRB1 protein (p.Tyr1161Cys). The tyrosine residue is highly conserved and there is a large physicochemical difference between tyrosine and cysteine. This variant is not present in population databases (ExAC no frequency). This variant has been observed in individuals with retinitis pigmentosa (PMID: 23379534; Invitae). Advanced modeling of protein sequence and biophysical properties (such as structural, functional, and spatial information, amino acid conservation, physicochemical variation, residue mobility, and thermodynamic stability) performed at Invitae indicates that this missense variant is expected to disrupt CRB1 protein function. In summary, the available evidence is currently insufficient to determine the role of this variant in disease. Therefore, it has been classified as a Variant of Uncertain Significance.

Literature cited by the submitters: PubMed 23379534 (cited by Dasa and Labcorp Genetics (formerly Invitae), Labcorp).

NM_201253.3(CRB1):c.3482A>G (p.Tyr1161Cys)

Gene: CRB1 (crumbs cell polarity complex component 1; plus strand). Cytogenetic location: 1q31.3.
Variant type: single nucleotide variant.
Coding change: c.3482A>G on transcript NM_201253.3 (MANE Select); coding-DNA position 3482, A replaced by G.
Protein change: p.Tyr1161Cys; replaces tyrosine 1161 with cysteine.
Molecular consequence: missense variant. On other transcripts: non-coding transcript variant (2), intron variant (1).
Genome position (GRCh38, 1-based): chr1:197,435,345, A>G. VCF-style: chr1-197435345-A-G. GRCh37 (hg19) VCF-style: chr1-197404475-A-G.
Other names: c.3146A>G, p.Tyr1049Cys (NM_001193640.2); c.3410A>G, p.Tyr1137Cys (NM_001257965.2); c.2129-255A>G (NM_001257966.2); short protein forms Y1049C, Y1161C, Y1137C.
Identifiers: ClinVar variation 1501976 (VCV001501976.7), dbSNP rs1414707912, ClinGen allele CA344048310.